The following is an entry in ClinVar:

NM_213595.4(ISCU):c.89C>T (p.Ala30Val)

Genes: ISCU (iron-sulfur cluster assembly enzyme; plus strand), LOC130008688 (ATAC-STARR-seq lymphoblastoid silent region 4828; plus strand). Cytogenetic location: 12q23.3.
Variant type: single nucleotide variant.
Coding change: c.89C>T on transcript NM_213595.4 (MANE Select); coding-DNA position 89, C replaced by T.
Protein change: p.Ala30Val; replaces alanine 30 with valine.
Molecular consequence: missense variant. On other transcripts: 5 prime UTR variant (1), non-coding transcript variant (1).
Genome position (GRCh38, 1-based): chr12:108,562,711, C>T. VCF-style: chr12-108562711-C-T. GRCh37 (hg19) VCF-style: chr12-108956487-C-T.
Other names: c.89C>T, p.Ala30Val (NM_001301140.1, NM_001301141.1, NM_001320042.1); c.-83C>T (NM_014301.4); short protein forms A30V.
Identifiers: ClinVar variation 806931 (VCV000806931.46), dbSNP rs762541090, ClinGen allele CA6768718.

ClinVar aggregate classification (germline): Uncertain significance. Review status: criteria provided, multiple submitters, no conflicts (2 of 4 stars). 2 submissions from 2 submitters: Uncertain significance (2). Last evaluated 2025-01-06.

Allele frequency attached by ClinVar (database versions not stated): gnomAD exomes 0.00001; gnomAD 0.00002; TOPMed 0.00002; ExAC 0.00003.

Submissions (2):

Labcorp Genetics (formerly Invitae), Labcorp
Classification: Uncertain significance. Last evaluated: 2025-01-06. Review status: criteria provided, single submitter. Criteria: Invitae Variant Classification Sherloc (09022015). Collection method: clinical testing. Allele origin: germline.
Comment: This sequence change replaces alanine, which is neutral and non-polar, with valine, which is neutral and non-polar, at codon 30 of the ISCU protein (p.Ala30Val). The frequency data for this variant in the population databases is considered unreliable, as metrics indicate poor data quality at this position in the gnomAD database. This variant has not been reported in the literature in individuals affected with ISCU-related conditions. ClinVar contains an entry for this variant (Variation ID: 806931). An algorithm developed to predict the effect of missense changes on protein structure and function (PolyPhen-2) suggests that this variant¬†is likely to be tolerated. In summary, the available evidence is currently insufficient to determine the role of this variant in disease. Therefore, it has been classified as a Variant of Uncertain Significance.

CeGaT Center for Human Genetics Tuebingen
Classification: Uncertain significance. Last evaluated: 2016-09-01. Review status: criteria provided, single submitter. Criteria: CeGaT Center For Human Genetics Tuebingen Variant Classification Criteria Version 2. Collection method: clinical testing. Allele origin: germline. Affected: yes. Observed: 1 variant allele.